The following is an entry in ClinVar:

ClinVar aggregate classification (germline): Uncertain significance. Review status: criteria provided, multiple submitters, no conflicts (2 of 4 stars). 2 submissions from 2 submitters: Uncertain significance (2). Last evaluated 2023-12-30.

Conditions:
Severe early-onset pulmonary alveolar proteinosis due to MARS deficiency. Also called: PULMONARY ALVEOLAR PROTEINOSIS, REUNION ISLAND; Interstitial lung and liver disease. Identifiers: Orphanet 440427, MedGen C4225400, MONDO:0014206, OMIM 615486.
Charcot-Marie-Tooth disease axonal type 2U. Also called: CHARCOT-MARIE-TOOTH NEUROPATHY, TYPE 2U; CHARCOT-MARIE-TOOTH DISEASE, AXONAL, AUTOSOMAL DOMINANT, TYPE 2U. Identifiers: Orphanet 397735, MedGen C4084821, MONDO:0014566, OMIM 616280.

Allele frequency attached by ClinVar (database versions not stated): gnomAD exomes below 0.00001.

Submissions (2):

Labcorp Genetics (formerly Invitae), Labcorp
Classification: Uncertain significance for Charcot-Marie-Tooth disease axonal type 2U; Severe early-onset pulmonary alveolar proteinosis due to MARS deficiency. Last evaluated: 2023-12-30. Review status: criteria provided, single submitter. Criteria: Invitae Variant Classification Sherloc (09022015). Collection method: clinical testing. Allele origin: germline.
Comment: This sequence change replaces cysteine, which is neutral and slightly polar, with arginine, which is basic and polar, at codon 441 of the MARS protein (p.Cys441Arg). This variant is not present in population databases (gnomAD no frequency). This variant has not been reported in the literature in individuals affected with MARS-related conditions. Algorithms developed to predict the effect of missense changes on protein structure and function output the following: SIFT: "Not Available"; PolyPhen-2: "Benign"; Align-GVGD: "Not Available". The arginine amino acid residue is found in multiple mammalian species, which suggests that this missense change does not adversely affect protein function. In summary, the available evidence is currently insufficient to determine the role of this variant in disease. Therefore, it has been classified as a Variant of Uncertain Significance.

Women's Health and Genetics/Laboratory Corporation of America, LabCorp
Classification: Uncertain significance. Last evaluated: 2023-11-10. Review status: criteria provided, single submitter. Criteria: LabCorp Variant Classification Summary - May 2015. Collection method: clinical testing. Allele origin: germline.
Comment: Variant summary: MARS1 c.1321T>C (p.Cys441Arg) results in a non-conservative amino acid change located in the Methionyl/Leucyl tRNA synthetase (IPR015413) of the encoded protein sequence. Three of five in-silico tools predict a benign effect of the variant on protein function. The variant was absent in 251470 control chromosomes. The available data on variant occurrences in the general population are insufficient to allow any conclusion about variant significance. To our knowledge, no occurrence of c.1321T>C in individuals affected with MARS1-Related Disorders and no experimental evidence demonstrating its impact on protein function have been reported. No submitters have cited clinical-significance assessments for this variant to ClinVar after 2014. Based on the evidence outlined above, the variant was classified as uncertain significance.

NM_004990.4(MARS1):c.1321T>C (p.Cys441Arg)

Gene: MARS1 (methionyl-tRNA synthetase 1; plus strand). Cytogenetic location: 12q13.3.
Variant type: single nucleotide variant.
Coding change: c.1321T>C on transcript NM_004990.4 (MANE Select); coding-DNA position 1321, T replaced by C.
Protein change: p.Cys441Arg; replaces cysteine 441 with arginine.
Molecular consequence: missense variant.
Genome position (GRCh38, 1-based): chr12:57,504,252, T>C. VCF-style: chr12-57504252-T-C. GRCh37 (hg19) VCF-style: chr12-57898035-T-C.
Other names: short protein forms C441R.
Identifiers: ClinVar variation 2682452 (VCV002682452.4), dbSNP rs1594824607, ClinGen allele CA385458894.